The following is an entry in ClinVar:

NM_032436.4(CHAMP1):c.1614C>T (p.Ala538=)

Gene: CHAMP1 (chromosome alignment maintaining phosphoprotein 1; plus strand). Cytogenetic location: 13q34.
Variant type: single nucleotide variant.
Coding change: c.1614C>T on transcript NM_032436.4 (MANE Select); coding-DNA position 1614, C replaced by T.
Protein change: p.Ala538=; no amino-acid change (alanine 538 retained).
Molecular consequence: synonymous variant.
Genome position (GRCh38, 1-based): chr13:114,325,456, C>T. VCF-style: chr13-114325456-C-T. GRCh37 (hg19) VCF-style: chr13-115090931-C-T.
Other names: c.1614C>T, p.Ala538= (NM_001164144.3, NM_001164145.3); c.1614C>T (NM_001164145.2).
Identifiers: ClinVar variation 1277386 (VCV001277386.4), dbSNP rs34004547, ClinGen allele CA7070846.

ClinVar aggregate classification (germline): Benign. Review status: criteria provided, multiple submitters, no conflicts (2 of 4 stars). 3 submissions from 3 submitters: Benign (2). 1 of the submissions does not count toward it. Last evaluated 2018-07-02.

Conditions:
CHAMP1-related disorder. Also called: CHAMP1-related condition.

Allele frequency attached by ClinVar (database versions not stated): ESP Exome Variant Server 0.00077; gnomAD 0.01003 and 0.01095; TOPMed 0.01876; ExAC 0.02196; 1000 Genomes Project 0.02536; 1000 Genomes Project 30x 0.02639.

Submissions (3):

GeneDx
Classification: Benign. Last evaluated: 2018-07-02. Review status: criteria provided, single submitter. Criteria: GeneDx Variant Classification Process June 2021. Collection method: clinical testing. Allele origin: germline. Affected: yes.

Breakthrough Genomics
Classification: Benign. Review status: criteria provided, single submitter. Criteria: ACMG Guidelines, 2015. Collection method: not provided. Allele origin: germline. Inheritance: Autosomal dominant inheritance. Affected: yes.

PreventionGenetics, part of Exact Sciences
Classification: Benign for CHAMP1-related condition. Last evaluated: 2019-04-16. Review status: no assertion criteria provided. Collection method: clinical testing. Allele origin: germline. Not counted in ClinVar's aggregate classification.
Comment: This variant is classified as benign based on ACMG/AMP sequence variant interpretation guidelines (Richards et al. 2015 PMID: 25741868, with internal and published modifications).